The following is an entry in ClinVar:

NM_004415.4(DSP):c.2421C>G (p.Tyr807Ter)

Gene: DSP (desmoplakin; plus strand). Cytogenetic location: 6p24.3.
Variant type: single nucleotide variant.
Coding change: c.2421C>G on transcript NM_004415.4 (MANE Select); coding-DNA position 2421, C replaced by G.
Protein change: p.Tyr807Ter; replaces tyrosine 807 with a stop codon.
Molecular consequence: nonsense.
Genome position (GRCh38, 1-based): chr6:7,574,780, C>G. VCF-style: chr6-7574780-C-G. GRCh37 (hg19) VCF-style: chr6-7575013-C-G.
Other names: c.2421C>G, p.Tyr807Ter (NM_001008844.3, NM_001319034.2); short protein forms Y807*.
Identifiers: ClinVar variation 3505487 (VCV003505487.1).

ClinVar aggregate classification (germline): Pathogenic (1 of 4 stars; one submission).

Conditions:
Cardiovascular phenotype. Identifiers: MedGen CN230736.

Submission:

Ambry Genetics
Classification: Pathogenic for Cardiovascular phenotype. Last evaluated: 2024-08-24. Review status: criteria provided, single submitter. Criteria: Ambry Variant Classification Scheme 2023. Collection method: clinical testing. Allele origin: germline.
Comment: The p.Y807* pathogenic mutation (also known as c.2421C>G), located in coding exon 17 of the DSP gene, results from a C to G substitution at nucleotide position 2421. This changes the amino acid from a tyrosine to a stop codon within coding exon 17. This mutation has been reported in association with arrhythmogenic right ventricular cardiomyopathy (ARVC) and has been reported in an electronic health record cohort that underwent exome sequencing (Bao J et al. Circ Cardiovasc Genet, 2013 Dec;6:552-6; Haggerty CM et al. Genet Med, 2017 Nov;19:1245-1252). Alterations in DSP that result in haploinsufficiency or protein truncation have been reported in patients with arrhythmogenic right ventricular cardiomyopathy (ARVC) and dilated cardiomyopathy (DCM) (Fressart V et al. Europace.2010;12(6):861-8; Elliott P et al. Circ Cardiovasc Genet. 2010;3(4):314-22; Quarta G et al. Circulation. 2011;123(23):2701-9; Garcia-Pavia P et al. Heart. 2011;97(21):1744-52; Rasmussen TB et al. Clin Genet.2013;84(1):20-30; Pugh TJ et al. Genet Med.2014;16(8):601-8). This variant is considered to be rare based on population cohorts in the Genome Aggregation Database (gnomAD). This alteration is expected to result in loss of function by premature protein truncation or nonsense-mediated mRNA decay. Based on the supporting evidence, this variant is interpreted as a disease-causing mutation.

Literature cited by the submitters: PubMed 24125834; PubMed 28471438.